The following is an entry in ClinVar:

NM_002529.4(NTRK1):c.1939G>T (p.Val647Leu)

Gene: NTRK1 (neurotrophic receptor tyrosine kinase 1; plus strand). Cytogenetic location: 1q23.1.
Variant type: single nucleotide variant.
Coding change: c.1939G>T on transcript NM_002529.4 (MANE Select); coding-DNA position 1939, G replaced by T.
Protein change: p.Val647Leu; replaces valine 647 with leucine.
Molecular consequence: missense variant.
Genome position (GRCh38, 1-based): chr1:156,879,255, G>T. VCF-style: chr1-156879255-G-T. GRCh37 (hg19) VCF-style: chr1-156849047-G-T.
Other names: c.1831G>T, p.Val611Leu (NM_001007792.1); c.1921G>T, p.Val641Leu (NM_001012331.2); short protein forms V611L, V641L, V647L.
Identifiers: ClinVar variation 566133 (VCV000566133.33), dbSNP rs142870382, ClinGen allele CA1169519.
Genomic context (GRCh38, chr1:156,879,255, plus strand): 5'-CTGCTGGCCGTGGCTAGCCAGGTCGCTGCGGGGATGGTGTACCTGGCGGGTCTGCATTTT[G>T]TGCACCGGGACCTGGCCACACGCAACTGTCTAGTGGGCCAGGGACTGGTGGTCAAGATTG-3'
Protein context (NP_002520.2, residues 637-657): GMVYLAGLHF[Val647Leu]HRDLATRNCL

ClinVar aggregate classification (germline): Conflicting classifications of pathogenicity. Review status: criteria provided, conflicting classifications (1 of 4 stars). 5 submissions from 5 submitters: Uncertain significance (3); Likely benign (1). 1 of the submissions does not count toward it. Last evaluated 2025-08-11.

Conditions:
Inborn genetic diseases. Identifiers: MedGen C0950123, MeSH D030342.
Hereditary insensitivity to pain with anhidrosis (CIPA). Also called: NTRK1 Congenital Insensitivity to Pain with Anhidrosis; HSAN Type IV; INSENSITIVITY TO PAIN, CONGENITAL, WITH ANHIDROSIS; NEUROPATHY, CONGENITAL SENSORY, WITH ANHIDROSIS; FAMILIAL DYSAUTONOMIA, TYPE II; hereditary sensory and autonomic neuropathy type 4. Identifiers: Orphanet 642, MedGen C0020074, MONDO:0009746, OMIM 256800.

Allele frequency attached by ClinVar (database versions not stated): gnomAD 0.00004 and 0.00005; TOPMed 0.00006; ESP Exome Variant Server 0.00008.
gnomAD v4.1: 72 of 1,613,910 alleles (0.0045%); highest among the groups gnomAD compares: Admixed American, 0.023%; no homozygotes.

Submissions (5):

Ambry Genetics
Classification: Uncertain significance for Inborn genetic diseases. Last evaluated: 2025-08-11. Review status: criteria provided, single submitter. Criteria: Ambry Variant Classification Scheme 2023. Collection method: clinical testing. Allele origin: germline.

GeneDx
Classification: Uncertain significance. Last evaluated: 2025-03-12. Review status: criteria provided, single submitter. Criteria: GeneDx Variant Classification Process June 2021. Collection method: clinical testing. Allele origin: germline. Affected: yes.
Comment: In silico analysis supports that this missense variant has a deleterious effect on protein structure/function; Has not been previously published as pathogenic or benign to our knowledge

Labcorp Genetics (formerly Invitae), Labcorp
Classification: Likely benign for Hereditary insensitivity to pain with anhidrosis. Last evaluated: 2024-07-22. Review status: criteria provided, single submitter. Criteria: Invitae Variant Classification Sherloc (09022015). Collection method: clinical testing. Allele origin: germline.

CeGaT Center for Human Genetics Tuebingen
Classification: Uncertain significance. Last evaluated: 2024-02-01. Review status: criteria provided, single submitter. Criteria: CeGaT Center For Human Genetics Tuebingen Variant Classification Criteria Version 2. Collection method: clinical testing. Allele origin: germline. Affected: yes. Observed: 1 variant allele.
Comment: NTRK1: PM2, PP3

Natera, Inc.
Classification: Uncertain significance for Hereditary insensitivity to pain with anhidrosis. Last evaluated: 2020-04-18. Review status: no assertion criteria provided. Collection method: clinical testing. Allele origin: germline. Not counted in ClinVar's aggregate classification.